The following is an entry in ClinVar:

NM_006073.4(TRDN):c.1871-15G>A

Gene: TRDN (triadin; minus strand). Cytogenetic location: 6q22.31.
Variant type: single nucleotide variant.
Coding change: c.1871-15G>A on transcript NM_006073.4 (MANE Select); 15 bases into the intron before coding-DNA position 1871, G replaced by A.
Molecular consequence: intron variant.
Genome position (GRCh38, 1-based): chr6:123,255,917, C>T on the plus strand (G>A on the coding strand, the complement: TRDN is on the minus strand). VCF-style: chr6-123255917-C-T. GRCh37 (hg19) VCF-style: chr6-123577062-C-T.
Identifiers: ClinVar variation 227117 (VCV000227117.21), dbSNP rs59935057, ClinGen allele CA3983709.

ClinVar aggregate classification (germline): Benign/Likely benign. Review status: criteria provided, multiple submitters, no conflicts (2 of 4 stars). 8 submissions from 8 submitters: Benign (5); Likely benign (1). 2 of the submissions do not count toward it. Last evaluated 2026-02-04.

Conditions:
Catecholaminergic polymorphic ventricular tachycardia 5 (CARDAR). Also called: CARDIAC ARRHYTHMIA SYNDROME, WITH OR WITHOUT SKELETAL MUSCLE WEAKNESS; Ventricular tachycardia, catecholaminergic polymorphic, 5, with or without muscle weakness. Identifiers: Orphanet 3286, MedGen C3809536, MONDO:0014191, OMIM 615441.
Catecholaminergic polymorphic ventricular tachycardia 1. Also called: RYR2-Related Catecholaminergic Polymorphic Ventricular Tachycardia; VENTRICULAR TACHYCARDIA, STRESS-INDUCED POLYMORPHIC 1; VENTRICULAR TACHYCARDIA, CATECHOLAMINERGIC POLYMORPHIC, 1, WITH OR WITHOUT ATRIAL DYSFUNCTION AND/OR DILATED CARDIOMYOPATHY. Identifiers: Orphanet 3286, MedGen C1631597, MONDO:0011484, OMIM 604772.

Allele frequency attached by ClinVar (database versions not stated): gnomAD 0.00837 and 0.00724; ExAC 0.00856; TOPMed 0.00921; 1000 Genomes Project 30x 0.02561; 1000 Genomes Project 0.02776; gnomAD exomes 0.00266; ESP Exome Variant Server 0.00394.
gnomAD v4.1: 4,054 of 1,264,438 alleles (0.32%); highest among the groups gnomAD compares: East Asian, 7.1%; 106 homozygotes.

Submissions (8):

Labcorp Genetics (formerly Invitae), Labcorp
Classification: Benign for Catecholaminergic polymorphic ventricular tachycardia 1. Last evaluated: 2026-02-04. Review status: criteria provided, single submitter. Criteria: Invitae Variant Classification Sherloc (09022015). Collection method: clinical testing. Allele origin: germline.

Blueprint Genetics
Classification: Likely benign. Last evaluated: 2024-11-26. Review status: criteria provided, single submitter. Criteria: ACMG Guidelines, 2015. Collection method: clinical testing. Allele origin: germline.

ARUP Laboratories, Molecular Genetics and Genomics, ARUP Laboratories
Classification: Benign for Catecholaminergic polymorphic ventricular tachycardia 5. Last evaluated: 2023-11-22. Review status: criteria provided, single submitter. Criteria: ARUP Molecular Germline Variant Investigation Process 2024. Collection method: clinical testing. Allele origin: germline.

Women's Health and Genetics/Laboratory Corporation of America, LabCorp
Classification: Benign. Last evaluated: 2023-10-31. Review status: criteria provided, single submitter. Criteria: LabCorp Variant Classification Summary - May 2015. Collection method: clinical testing. Allele origin: germline.
Comment: Variant summary: TRDN c.1871-15G>A alters a non-conserved nucleotide located at a position not widely known to affect splicing. The variant allele was found at a frequency of 0.0027 in 54960 control chromosomes in the gnomAD database, including 1 homozygotes. The observed variant frequency is approximately 2 fold of the estimated maximal expected allele frequency for a pathogenic variant in TRDN causing Catecholaminergic Polymorphic Ventricular Tachycardia phenotype (0.0016), strongly suggesting that the variant is benign. To our knowledge, no occurrence of c.1871-15G>A in individuals affected with Catecholaminergic Polymorphic Ventricular Tachycardia and no experimental evidence demonstrating its impact on protein function have been reported. Two submitters have cited clinical-significance assessments for this variant to ClinVar after 2014. All submitters classified the variant as benign. Based on the evidence outlined above, the variant was classified as benign.

GeneDx
Classification: Benign. Last evaluated: 2016-10-12. Review status: criteria provided, single submitter. Criteria: GeneDx Variant Classification (06012015). Collection method: clinical testing. Allele origin: germline. Affected: yes.
Comment: This variant is considered likely benign or benign based on one or more of the following criteria: it is a conservative change, it occurs at a poorly conserved position in the protein, it is predicted to be benign by multiple in silico algorithms, and/or has population frequency not consistent with disease.

Laboratory for Molecular Medicine, Mass General Brigham Personalized Medicine
Classification: Benign. Last evaluated: 2014-11-24. Review status: criteria provided, single submitter. Criteria: LMM Criteria. Collection method: clinical testing. Allele origin: germline. Observed: 6 variant alleles.
Comment: 1871-15G>A in intron 35 of TRDN: This variant is not expected to have clinical s ignificance because it has been identified in 1.3% (42/3350) of African American chromosomes from a broad population by the NHLBI Exome Sequencing Project (dbSNP rs59935057).

Clinical Genetics, Academic Medical Center
Classification: Benign. Review status: no assertion criteria provided. Collection method: clinical testing. Allele origin: germline. Affected: yes. Study: VKGL Data-share Consensus. Not counted in ClinVar's aggregate classification.

Joint Genome Diagnostic Labs from Nijmegen and Maastricht, Radboudumc and MUMC+
Classification: Benign. Review status: no assertion criteria provided. Collection method: clinical testing. Allele origin: germline. Affected: yes. Study: VKGL Data-share Consensus. Not counted in ClinVar's aggregate classification.